The following is an entry in ClinVar:

ClinVar aggregate classification (germline): Uncertain significance. Review status: criteria provided, multiple submitters, no conflicts (2 of 4 stars). 4 submissions from 4 submitters: Uncertain significance (4). Last evaluated 2024-11-19.

Conditions:
Glycogen storage disease, type IV (GSD4). Also called: GBE1 DEFICIENCY; GLYCOGEN BRANCHING ENZYME DEFICIENCY; GLYCOGENOSIS IV; GSD IV; Glycogen storage disease due to glycogen branching enzyme deficiency; AMYLOPECTINOSIS. Identifiers: Orphanet 367, MedGen C0017923, MONDO:0009292, OMIM 232500.
Glycogen storage disease IV, classic hepatic. Also called: GSD IV, CLASSIC HEPATIC. Identifiers: MedGen C1856301.
Inborn genetic diseases. Identifiers: MedGen C0950123, MeSH D030342.

Allele frequency attached by ClinVar (database versions not stated): ExAC 0.00002; gnomAD exomes 0.00002 and 0.00003; gnomAD 0.00003 and 0.00004; TOPMed 0.00003.
gnomAD v4.1: 48 of 1,608,930 alleles (0.003%); highest among the groups gnomAD compares: Non-Finnish European, 0.0038%; no homozygotes.

Submissions (4):

Blueprint Genetics
Classification: Uncertain significance. Last evaluated: 2024-11-19. Review status: criteria provided, single submitter. Criteria: ACMG Guidelines, 2015. Collection method: clinical testing. Allele origin: germline.

Ambry Genetics
Classification: Uncertain significance for Inborn genetic diseases. Last evaluated: 2023-05-30. Review status: criteria provided, single submitter. Criteria: Ambry Variant Classification Scheme 2023. Collection method: clinical testing. Allele origin: germline.

Labcorp Genetics (formerly Invitae), Labcorp
Classification: Uncertain significance for Glycogen storage disease, type IV; Glycogen storage disease IV, classic hepatic. Last evaluated: 2022-06-29. Review status: criteria provided, single submitter. Criteria: Invitae Variant Classification Sherloc (09022015). Collection method: clinical testing. Allele origin: germline.
Comment: This sequence change replaces isoleucine, which is neutral and non-polar, with valine, which is neutral and non-polar, at codon 424 of the GBE1 protein (p.Ile424Val). This variant is present in population databases (rs773950053, gnomAD 0.004%). This variant has not been reported in the literature in individuals affected with GBE1-related conditions. ClinVar contains an entry for this variant (Variation ID: 1312053). Advanced modeling of protein sequence and biophysical properties (such as structural, functional, and spatial information, amino acid conservation, physicochemical variation, residue mobility, and thermodynamic stability) performed at Invitae indicates that this missense variant is not expected to disrupt GBE1 protein function. Algorithms developed to predict the effect of sequence changes on RNA splicing suggest that this variant may create or strengthen a splice site. In summary, the available evidence is currently insufficient to determine the role of this variant in disease. Therefore, it has been classified as a Variant of Uncertain Significance.

GeneDx
Classification: Uncertain significance. Last evaluated: 2019-09-19. Review status: criteria provided, single submitter. Criteria: GeneDx Variant Classification Process June 2021. Collection method: clinical testing. Allele origin: germline. Affected: yes.
Comment: Not observed at a significant frequency in large population cohorts (Lek et al., 2016); In silico analysis, which includes protein predictors and evolutionary conservation, supports that this variant does not alter protein structure/function; In-silico analysis, which includes splice predictors, is inconclusive as to whether the variant alters gene splicing. In the absence of RNA/functional studies, the actual effect of this sequence change is unknown; Has not been previously published as pathogenic or benign to our knowledge

NM_000158.4(GBE1):c.1270A>G (p.Ile424Val)

Gene: GBE1 (1,4-alpha-glucan branching enzyme 1; minus strand). Cytogenetic location: 3p12.2.
Variant type: single nucleotide variant.
Coding change: c.1270A>G on transcript NM_000158.4 (MANE Select); coding-DNA position 1270, A replaced by G.
Protein change: p.Ile424Val; replaces isoleucine 424 with valine.
Molecular consequence: missense variant.
Genome position (GRCh38, 1-based): chr3:81,586,157, T>C on the plus strand (A>G on the coding strand, the complement: GBE1 is on the minus strand). VCF-style: chr3-81586157-T-C. GRCh37 (hg19) VCF-style: chr3-81635308-T-C.
Other names: short protein forms I424V.
Identifiers: ClinVar variation 1312053 (VCV001312053.6), dbSNP rs773950053, ClinGen allele CA2499718.
Genomic context (GRCh38, chr3:81,586,157, plus strand): 5'-TCCACTTATCTGGAATTGCCATGGCTAGTCGATAGTCAAAACCACCCCCTCCCTGGGAAA[T>C]TGGAGAGCACAGAGCTGGCATTCCTGATACATCCTACAACAAAGAACGTCGGTTCATAAT-3'
Protein context (NP_000149.4, residues 414-434): VSGMPALCSP[Ile424Val]SQGGGGFDYR